The following is an entry in ClinVar:

ClinVar aggregate classification (germline): Uncertain significance (1 of 4 stars; one submission).

Submission:

GeneDx
Classification: Uncertain significance. Last evaluated: 2024-04-17. Review status: criteria provided, single submitter. Criteria: GeneDx Variant Classification Process June 2021. Collection method: clinical testing. Allele origin: germline. Affected: yes.
Comment: Has not been previously published as pathogenic or benign to our knowledge; Not observed at significant frequency in large population cohorts (gnomAD); In silico analysis indicates that this missense variant does not alter protein structure/function

NM_024757.5(EHMT1):c.2348C>G (p.Ala783Gly)

Gene: EHMT1 (euchromatic histone lysine methyltransferase 1; plus strand). Cytogenetic location: 9q34.3.
Variant type: single nucleotide variant.
Coding change: c.2348C>G on transcript NM_024757.5 (MANE Select); coding-DNA position 2348, C replaced by G.
Protein change: p.Ala783Gly; replaces alanine 783 with glycine.
Molecular consequence: missense variant.
Genome position (GRCh38, 1-based): chr9:137,782,363, C>G. VCF-style: chr9-137782363-C-G. GRCh37 (hg19) VCF-style: chr9-140676815-C-G.
Other names: c.2348C>G, p.Ala783Gly (NM_001145527.2); c.2255C>G, p.Ala752Gly (NM_001354259.2); c.2327C>G, p.Ala776Gly (NM_001354263.2); short protein forms A752G, A776G, A783G.
Identifiers: ClinVar variation 3372769 (VCV003372769.1).